The following is an entry in ClinVar:

NM_015040.4(PIKFYVE):c.257T>G (p.Val86Gly)

Gene: PIKFYVE (phosphoinositide kinase, FYVE-type zinc finger containing; plus strand). Cytogenetic location: 2q34.
Variant type: single nucleotide variant.
Coding change: c.257T>G on transcript NM_015040.4 (MANE Select); coding-DNA position 257, T replaced by G.
Protein change: p.Val86Gly; replaces valine 86 with glycine.
Molecular consequence: missense variant.
Genome position (GRCh38, 1-based): chr2:208,273,668, T>G. VCF-style: chr2-208273668-T-G. GRCh37 (hg19) VCF-style: chr2-209138392-T-G.
Other names: c.257T>G, p.Val86Gly (NM_001178000.2, NM_152671.4); short protein forms V86G.
Identifiers: ClinVar variation 3026768 (VCV003026768.22), dbSNP rs2469062384, ClinGen allele CA350096606.

ClinVar aggregate classification (germline): Uncertain significance (1 of 4 stars; one submission).

Allele frequency attached by ClinVar (database versions not stated): gnomAD exomes below 0.00001.
gnomAD v4.1: 1 of 1,614,144 alleles (0.000062%); highest among the groups gnomAD compares: Non-Finnish European, 0.000085%; no homozygotes.

Submission:

CeGaT Center for Human Genetics Tuebingen
Classification: Uncertain significance. Last evaluated: 2024-01-01. Review status: criteria provided, single submitter. Criteria: CeGaT Center For Human Genetics Tuebingen Variant Classification Criteria Version 2. Collection method: clinical testing. Allele origin: germline. Affected: yes. Observed: 1 variant allele.
Comment: PIKFYVE: PM2, PP3